The following is an entry in ClinVar:

NM_172107.4(KCNQ2):c.1388_1389del (p.Val463fs)

Gene: KCNQ2 (potassium voltage-gated channel subfamily Q member 2; minus strand). Cytogenetic location: 20q13.33.
Variant type: Microsatellite.
Coding change: c.1388_1389del on transcript NM_172107.4 (MANE Select); coding-DNA positions 1388 to 1389, 2 bases deleted (TG; older notation c.1388_1389delTG).
Protein change: p.Val463fs; shifts the reading frame from valine 463.
Molecular consequence: frameshift variant.
Genome position (GRCh38, 1-based): chr20:63,415,039-63,415,040, CA deleted on the plus strand (TG on the coding strand, the reverse complement: KCNQ2 is on the minus strand); deleting any 2 consecutive bases within chr20:63,415,039-63,415,042 gives the same sequence; the c. name uses the placement nearest the transcript's 3' end. VCF-style (leftmost placement, unchanged base first): chr20-63415038-TCA-T. GRCh37 (hg19) VCF-style: chr20-62046391-TCA-T.
Other names: c.1334_1335del, p.Val445fs (NM_001382235.1, NM_172106.3); c.1304_1305del, p.Val435fs (NM_004518.6); c.1298_1299del, p.Val433fs (NM_172108.5); short protein forms V433fs, V463fs, V445fs, V435fs.
Identifiers: ClinVar variation 242008 (VCV000242008.7), dbSNP rs878855236, ClinGen allele CA10583878.

ClinVar aggregate classification (germline): Pathogenic (1 of 4 stars; one submission).

Conditions:
Early-infantile DEE. Also called: Early infantile epileptic encephalopathy with suppression bursts; Early infantile epileptic encephalopathy; Ohtahara syndrome. Identifiers: Orphanet 1934, MedGen C0393706, MONDO:0800491.

Submission:

Labcorp Genetics (formerly Invitae), Labcorp
Classification: Pathogenic for Early-infantile DEE. Last evaluated: 2016-02-01. Review status: criteria provided, single submitter. Criteria: Invitae Variant Classification Sherloc (09022015). Collection method: clinical testing. Allele origin: germline.
Comment: For these reasons, this variant has been classified as Pathogenic. While this particular variant has not been reported in the literature, truncating variants in KCNQ2 are known to be pathogenic (PMID: 14534157). This sequence change deletes 2 nucleotides from exon 13 of the KCNQ2 mRNA (c.1388_1389delTG), causing a frameshift at codon 463. This creates a premature translational stop signal (p.Val463Glufs*57) and is expected to result in an absent or disrupted protein product.

Literature cited by the submitters: PubMed 14534157.